The following is an entry in ClinVar:

NM_024642.5(GALNT12):c.1345-11G>A

Gene: GALNT12 (polypeptide N-acetylgalactosaminyltransferase 12; plus strand). Cytogenetic location: 9q22.33.
Variant type: single nucleotide variant.
Coding change: c.1345-11G>A on transcript NM_024642.5 (MANE Select); 11 bases into the intron before coding-DNA position 1345, G replaced by A.
Molecular consequence: intron variant.
Genome position (GRCh38, 1-based): chr9:98,844,085, G>A. VCF-style: chr9-98844085-G-A. GRCh37 (hg19) VCF-style: chr9-101606367-G-A.
Identifiers: ClinVar variation 4875784 (VCV004875784.1).

ClinVar aggregate classification (germline): Likely benign (1 of 4 stars; one submission).

Conditions:
Colorectal cancer, susceptibility to, 1. Also called: COLORECTAL ADENOMA AND CANCER, SUSCEPTIBILITY TO; COLORECTAL CANCER, SUSCEPTIBILITY TO, ON CHROMOSOME 9. Identifiers: MedGen C1837315, MONDO:0012132, OMIM 608812.

Submission:

Myriad Genetics, Inc.
Classification: Likely benign for Colorectal cancer, susceptibility to, 1. Last evaluated: 2026-04-22. Review status: criteria provided, single submitter. Criteria: Myriad Autosomal Dominant, Autosomal Recessive and X-Linked Classification Criteria (2023). Collection method: clinical testing. Allele origin: unknown.
Comment: This variant is considered likely benign. This variant is intronic and is not expected to impact mRNA splicing.